The following is an entry in ClinVar:

NM_016156.6(MTMR2):c.1594-9T>G

Gene: MTMR2 (myotubularin related protein 2; minus strand). Cytogenetic location: 11q21.
Variant type: single nucleotide variant.
Coding change: c.1594-9T>G on transcript NM_016156.6 (MANE Select); 9 bases into the intron before coding-DNA position 1594, T replaced by G.
Molecular consequence: intron variant.
Genome position (GRCh38, 1-based): chr11:95,836,333, A>C on the plus strand (T>G on the coding strand, the complement: MTMR2 is on the minus strand). VCF-style: chr11-95836333-A-C. GRCh37 (hg19) VCF-style: chr11-95569497-A-C.
Other names: c.1378-9T>G (NM_201281.3, NM_201278.3, NM_001243571.2).
Identifiers: ClinVar variation 650514 (VCV000650514.8), dbSNP rs774704606, ClinGen allele CA6239927.

ClinVar aggregate classification (germline): Uncertain significance (1 of 4 stars; one submission).

Conditions:
Charcot-Marie-Tooth disease type 4. Also called: Charcot-Marie-Tooth disease, type IV; Charcot-Marie-Tooth, Type 4. Identifiers: Orphanet 64749, MedGen C4082197, MONDO:0018995.

Allele frequency attached by ClinVar (database versions not stated): gnomAD exomes below 0.00001 and 0.00001; TOPMed below 0.00001; ExAC 0.00001; gnomAD 0.00001.
gnomAD v4.1: 3 of 1,589,652 alleles (0.00019%); highest among the groups gnomAD compares: East Asian, 0.0067%; no homozygotes.

Submission:

Labcorp Genetics (formerly Invitae), Labcorp
Classification: Uncertain significance for Charcot-Marie-Tooth disease type 4. Last evaluated: 2023-05-15. Review status: criteria provided, single submitter. Criteria: Invitae Variant Classification Sherloc (09022015). Collection method: clinical testing. Allele origin: germline.
Comment: Algorithms developed to predict the effect of sequence changes on RNA splicing suggest that this variant may disrupt the consensus splice site. In summary, the available evidence is currently insufficient to determine the role of this variant in disease. Therefore, it has been classified as a Variant of Uncertain Significance. ClinVar contains an entry for this variant (Variation ID: 650514). This variant has not been reported in the literature in individuals affected with MTMR2-related conditions. This variant is present in population databases (rs774704606, gnomAD 0.01%). This sequence change falls in intron 13 of the MTMR2 gene. It does not directly change the encoded amino acid sequence of the MTMR2 protein.